The following is an entry in ClinVar:

ClinVar aggregate classification (germline): Pathogenic (1 of 4 stars; one submission).

Conditions:
Microcephaly, normal intelligence and immunodeficiency (NBS). Also called: IMMUNODEFICIENCY, MICROCEPHALY, AND CHROMOSOMAL INSTABILITY; SEEMANOVA SYNDROME II; Nijmegen breakage syndrome; Microcephaly with normal intelligence immunodeficiency and lymphoreticular malignancies; Nonsyndromal microcephaly autosomal recessive with normal intelligence; Seemanova syndrome 2. Identifiers: Orphanet 647, MedGen C0398791, MONDO:0009623, OMIM 251260.

Submission:

Myriad Genetics, Inc.
Classification: Pathogenic for Microcephaly, normal intelligence and immunodeficiency. Last evaluated: 2026-06-11. Review status: criteria provided, single submitter. Criteria: Myriad Autosomal Dominant, Autosomal Recessive and X-Linked Classification Criteria (2023). Collection method: clinical testing. Allele origin: unknown.
Comment: NM_002485.4(NBN):c.704delA(H235Lfs*4) is expected to be pathogenic in the context of Nijmegen breakage syndrome. This variant is predicted to lead to an abnormal or absent protein product due to the creation of a premature termination codon in NBN, a gene where loss-of-function variants are known to be pathogenic. Please note: this variant was assessed in the context of healthy population screening.

NM_002485.5(NBN):c.704del (p.His235fs)

Gene: NBN (nibrin; minus strand). Cytogenetic location: 8q21.3.
Variant type: Deletion.
Coding change: c.704del on transcript NM_002485.5 (MANE Select); coding-DNA position 704, one base deleted (A; older notation c.704delA).
Protein change: p.His235fs; shifts the reading frame from histidine 235.
Molecular consequence: frameshift variant.
Genome position (GRCh38, 1-based): chr8:89,970,556, T deleted on the plus strand (A on the coding strand, the reverse complement: NBN is on the minus strand). VCF-style (leftmost placement, unchanged base first): chr8-89970555-AT-A. GRCh37 (hg19) VCF-style: chr8-90982783-AT-A.
Other names: c.458del, p.His153fs (NM_001024688.3, NM_001440379.1, NM_001440380.1); short protein forms H153fs, H235fs.
Identifiers: ClinVar variation 5016025 (VCV005016025.1).